The following is an entry in ClinVar:

ClinVar aggregate classification (germline): Uncertain significance (1 of 4 stars; one submission).

Submission:

Labcorp Genetics (formerly Invitae), Labcorp
Classification: Uncertain significance. Last evaluated: 2025-06-27. Review status: criteria provided, single submitter. Criteria: Invitae Variant Classification Sherloc (09022015). Collection method: clinical testing. Allele origin: germline.
Comment: This sequence change replaces histidine, which is basic and polar, with arginine, which is basic and polar, at codon 12 of the NYX protein (p.His12Arg). This variant is not present in population databases (gnomAD no frequency). This variant has not been reported in the literature in individuals affected with NYX-related conditions. An algorithm developed to predict the effect of missense changes on protein structure and function outputs the following: PolyPhen-2: "Possibly Damaging". The arginine amino acid residue is found in multiple mammalian species, which suggests that this missense change does not adversely affect protein function. In summary, the available evidence is currently insufficient to determine the role of this variant in disease. Therefore, it has been classified as a Variant of Uncertain Significance.

NM_001378477.3(NYX):c.20A>G (p.His7Arg)

Gene: NYX (nyctalopin; plus strand). Cytogenetic location: Xp11.4.
Variant type: single nucleotide variant.
Coding change: c.20A>G on transcript NM_001378477.3 (MANE Select); coding-DNA position 20, A replaced by G.
Protein change: p.His7Arg; replaces histidine 7 with arginine.
Molecular consequence: missense variant.
Genome position (GRCh38, 1-based): chrX:41,447,924, A>G. VCF-style: chrX-41447924-A-G. GRCh37 (hg19) VCF-style: chrX-41307177-A-G.
Other names: c.20A>G, p.His7Arg (NM_022567.3); short protein forms H7R.
Identifiers: ClinVar variation 4721878 (VCV004721878.1).